The following is an entry in ClinVar:

ClinVar aggregate classification (germline): Benign/Likely benign. Review status: criteria provided, multiple submitters, no conflicts (2 of 4 stars). 3 submissions from 3 submitters: Benign (1); Likely benign (1). 1 of the submissions does not count toward it. Last evaluated 2026-05-26.

Conditions:
Gastrointestinal stromal tumor. Also called: Gastrointestinal stroma tumor; Gastrointestinal stromal tumor, somatic. Identifiers: Orphanet 44890, MedGen C0238198, MeSH D046152, MONDO:0011719, OMIM 606764, HP:0100723.
KIT-related disorder. Also called: KIT-related condition.

Allele frequency attached by ClinVar (database versions not stated): gnomAD exomes 0.00002 and 0.00008; ExAC 0.00011; gnomAD 0.00027 and 0.00029; ESP Exome Variant Server 0.00031; TOPMed 0.00032; 1000 Genomes Project 30x 0.00078; 1000 Genomes Project 0.00080.
gnomAD v4.1: 70 of 1,603,234 alleles (0.0044%); highest among the groups gnomAD compares: African/African-American, 0.074%; no homozygotes.

Submissions (3):

Myriad Genetics, Inc.
Classification: Likely benign for Gastrointestinal stromal tumor. Last evaluated: 2026-05-26. Review status: criteria provided, single submitter. Criteria: Myriad Autosomal Dominant, Autosomal Recessive and X-Linked Classification Criteria (2023). Collection method: clinical testing. Allele origin: unknown.
Comment: This variant is considered likely benign. This variant is intronic and is not expected to impact mRNA splicing.

Labcorp Genetics (formerly Invitae), Labcorp
Classification: Benign for Gastrointestinal stromal tumor. Last evaluated: 2026-01-19. Review status: criteria provided, single submitter. Criteria: Invitae Variant Classification Sherloc (09022015). Collection method: clinical testing. Allele origin: germline.

PreventionGenetics, part of Exact Sciences
Classification: Likely benign for KIT-related condition. Last evaluated: 2022-01-06. Review status: no assertion criteria provided. Collection method: clinical testing. Allele origin: germline. Not counted in ClinVar's aggregate classification.
Comment: This variant is classified as likely benign based on ACMG/AMP sequence variant interpretation guidelines (Richards et al. 2015 PMID: 25741868, with internal and published modifications).

NM_000222.3(KIT):c.925+9C>T

Gene: KIT (KIT proto-oncogene, receptor tyrosine kinase; plus strand). Cytogenetic location: 4q12.
Variant type: single nucleotide variant.
Coding change: c.925+9C>T on transcript NM_000222.3 (MANE Select); 9 bases into the intron after coding-DNA position 925, C replaced by T.
Molecular consequence: intron variant.
Genome position (GRCh38, 1-based): chr4:54,703,901, C>T. VCF-style: chr4-54703901-C-T. GRCh37 (hg19) VCF-style: chr4-55570067-C-T.
Other names: c.928+9C>T (NM_001385284.1, NM_001385290.1, NM_001385288.1 and 1 more transcripts); c.925+9C>T (NM_001385285.1, NM_001093772.2, NM_001385286.1).
Identifiers: ClinVar variation 415807 (VCV000415807.15), dbSNP rs201405378, ClinGen allele CA2923337.